The following is an entry in ClinVar:

NM_001353345.2(SETD1B):c.4860_4862delinsATCAT (p.Gly1621fs)

Gene: SETD1B (SET domain containing 1B, histone lysine methyltransferase; plus strand). Cytogenetic location: 12q24.31.
Variant type: Indel.
Coding change: c.4860_4862delinsATCAT on transcript NM_001353345.2 (MANE Select); coding-DNA positions 4860 to 4862, GGG replaced by ATCAT.
Protein change: p.Gly1621fs; shifts the reading frame from glycine 1621.
Molecular consequence: frameshift variant.
Genome position (GRCh38, 1-based): chr12:121,823,439-121,823,441, GGG replaced by ATCAT. VCF-style: chr12-121823439-GGG-ATCAT. GRCh37 (hg19) VCF-style: chr12-122261345-GGG-ATCAT.
Other names: short protein forms G1621fs.
Identifiers: ClinVar variation 4082283 (VCV004082283.1).

ClinVar aggregate classification (germline): Pathogenic (1 of 4 stars; one submission).

Conditions:
Intellectual developmental disorder with seizures and language delay (IDDSELD). Identifiers: MedGen C5436574, MONDO:0033559, OMIM 619000.

Submission:

Medical Genetics Center, Maternal and Child Health Hospital of Hubei Province
Classification: Pathogenic for Intellectual developmental disorder with seizures and language delay. Last evaluated: 2023-11-15. Review status: criteria provided, single submitter. Criteria: ACMG Guidelines, 2015. Collection method: clinical testing. Allele origin: de novo. Affected: yes.
Comment: PVS1+PS2+PM2_Supporting